The following is an entry in ClinVar:

ClinVar aggregate classification (germline): Pathogenic. Review status: criteria provided, multiple submitters, no conflicts (2 of 4 stars). 2 submissions from 2 submitters: Pathogenic (2). Last evaluated 2025-05-24.

Conditions:
Mucolipidosis type IV (ML4). Also called: ML IV. Identifiers: Orphanet 578, MedGen C0238286, MONDO:0009653, OMIM 252650.

Submissions (2):

Myriad Genetics, Inc.
Classification: Pathogenic for Mucolipidosis type IV. Last evaluated: 2025-05-24. Review status: criteria provided, single submitter. Criteria: Myriad Autosomal Dominant, Autosomal Recessive and X-Linked Classification Criteria (2023). Collection method: clinical testing. Allele origin: unknown.
Comment: NM_020533.2(MCOLN1):c.66T>G(Y22*) is expected to be pathogenic in the context of mucolipidosis IV. This variant is predicted to lead to an abnormal or absent protein product due to the creation of a premature termination codon in MCOLN1, a gene where loss-of-function variants are known to be pathogenic. Please note: this variant was assessed in the context of healthy population screening.

Labcorp Genetics (formerly Invitae), Labcorp
Classification: Pathogenic for Mucolipidosis type IV. Last evaluated: 2021-11-26. Review status: criteria provided, single submitter. Criteria: Invitae Variant Classification Sherloc (09022015). Collection method: clinical testing. Allele origin: germline.
Comment: This sequence change creates a premature translational stop signal (p.Tyr22*) in the MCOLN1 gene. It is expected to result in an absent or disrupted protein product. Loss-of-function variants in MCOLN1 are known to be pathogenic (PMID: 11030752, 11317355). This variant is not present in population databases (gnomAD no frequency). This variant has not been reported in the literature in individuals affected with MCOLN1-related conditions. Algorithms developed to predict the effect of sequence changes on RNA splicing suggest that this variant may create or strengthen a splice site. For these reasons, this variant has been classified as Pathogenic.

Literature cited by the submitters: PubMed 11030752 (cited by Labcorp Genetics (formerly Invitae), Labcorp); PubMed 11317355 (cited by Labcorp Genetics (formerly Invitae), Labcorp).

NM_020533.3(MCOLN1):c.66T>G (p.Tyr22Ter)

Gene: MCOLN1 (mucolipin TRP cation channel 1; plus strand). Cytogenetic location: 19p13.2.
Variant type: single nucleotide variant.
Coding change: c.66T>G on transcript NM_020533.3 (MANE Select); coding-DNA position 66, T replaced by G.
Protein change: p.Tyr22Ter; replaces tyrosine 22 with a stop codon.
Molecular consequence: nonsense.
Genome position (GRCh38, 1-based): chr19:7,524,995, T>G. VCF-style: chr19-7524995-T-G. GRCh37 (hg19) VCF-style: chr19-7589881-T-G.
Other names: short protein forms Y22*.
Identifiers: ClinVar variation 1402137 (VCV001402137.7), dbSNP rs2146021205, ClinGen allele CA403152416.